The following is an entry in ClinVar:

NM_013447.4(ADGRE2):c.1415G>C (p.Arg472Pro)

Gene: ADGRE2 (adhesion G protein-coupled receptor E2; minus strand). Cytogenetic location: 19p13.12.
Variant type: single nucleotide variant.
Coding change: c.1415G>C on transcript NM_013447.4 (MANE Select); coding-DNA position 1415, G replaced by C.
Protein change: p.Arg472Pro; replaces arginine 472 with proline.
Molecular consequence: missense variant.
Genome position (GRCh38, 1-based): chr19:14,755,655, C>G on the plus strand (G>C on the coding strand, the complement: ADGRE2 is on the minus strand). VCF-style: chr19-14755655-C-G. GRCh37 (hg19) VCF-style: chr19-14866467-C-G.
Other names: c.1136G>C, p.Arg379Pro (NM_152917.2); c.1415G>C, p.Arg472Pro (NM_001271052.1); c.1268G>C, p.Arg423Pro (NM_152916.2); short protein forms R379P, R423P, R472P.
Identifiers: ClinVar variation 1937829 (VCV001937829.5), dbSNP rs142367407, ClinGen allele CA404455082.

ClinVar aggregate classification (germline): Uncertain significance (1 of 4 stars; one submission).

gnomAD v4.1: 3 of 1,613,502 alleles (0.00019%); highest among the groups gnomAD compares: African/African-American, 0.004%; no homozygotes.

Submission:

Labcorp Genetics (formerly Invitae), Labcorp
Classification: Uncertain significance. Last evaluated: 2024-05-06. Review status: criteria provided, single submitter. Criteria: Invitae Variant Classification Sherloc (09022015). Collection method: clinical testing. Allele origin: germline.
Comment: This sequence change replaces arginine, which is basic and polar, with proline, which is neutral and non-polar, at codon 472 of the ADGRE2 protein (p.Arg472Pro). This variant is not present in population databases (gnomAD no frequency). This variant has not been reported in the literature in individuals affected with ADGRE2-related conditions. ClinVar contains an entry for this variant (Variation ID: 1937829). Algorithms developed to predict the effect of missense changes on protein structure and function output the following: SIFT: "Not Available"; PolyPhen-2: "Benign"; Align-GVGD: "Not Available". The proline amino acid residue is found in multiple mammalian species, which suggests that this missense change does not adversely affect protein function. In summary, the available evidence is currently insufficient to determine the role of this variant in disease. Therefore, it has been classified as a Variant of Uncertain Significance.